The following is an entry in ClinVar:

NM_001005242.3(PKP2):c.1379-2028C>A

Gene: PKP2 (plakophilin 2; minus strand). Cytogenetic location: 12p11.21.
Variant type: single nucleotide variant.
Coding change: c.1379-2028C>A on transcript NM_001005242.3 (MANE Select); 2028 bases into the intron before coding-DNA position 1379, C replaced by A.
Molecular consequence: intron variant. On other transcripts: missense variant (1).
Genome position (GRCh38, 1-based): chr12:32,843,233, G>T on the plus strand (C>A on the coding strand, the complement: PKP2 is on the minus strand). VCF-style: chr12-32843233-G-T. GRCh37 (hg19) VCF-style: chr12-32996167-G-T.
Other names: c.1459C>A, p.Gln487Lys (NM_004572.4); short protein forms Q487K.
Identifiers: ClinVar variation 1370597 (VCV001370597.8), dbSNP rs752119095, ClinGen allele CA028407.
Genomic context (GRCh38, chr12:32,843,233, plus strand): 5'-GGGTCTCACCATGTTGGTCAGGCTGGTCTCGAACTCCTGACCTCGTGATCCGCCCGCCTT[G>T]GCCTCCCAAAGTGCTGGGATTACAGGCGTGAGCCACCGCGCCCGGCCAGCCATTCCTACT-3'

ClinVar aggregate classification (germline): Uncertain significance (1 of 4 stars; one submission).

Conditions:
Arrhythmogenic right ventricular dysplasia 9 (ARVD9). Also called: Arrhythmogenic Right Ventricular Dysplasia/Cardiomyopathy 9; ARRHYTHMOGENIC RIGHT VENTRICULAR DYSPLASIA, FAMILIAL, 9. Identifiers: MedGen C1836906, MONDO:0012180, OMIM 609040.

Allele frequency attached by ClinVar (database versions not stated): gnomAD exomes below 0.00001; ExAC 0.00001; gnomAD 0.00001; TOPMed 0.00003.

Submission:

Labcorp Genetics (formerly Invitae), Labcorp
Classification: Uncertain significance for Arrhythmogenic right ventricular dysplasia 9. Last evaluated: 2022-07-25. Review status: criteria provided, single submitter. Criteria: Invitae Variant Classification Sherloc (09022015). Collection method: clinical testing. Allele origin: germline.
Comment: In summary, the available evidence is currently insufficient to determine the role of this variant in disease. Therefore, it has been classified as a Variant of Uncertain Significance. Algorithms developed to predict the effect of missense changes on protein structure and function are either unavailable or do not agree on the potential impact of this missense change (SIFT: "Deleterious"; PolyPhen-2: "Benign"; Align-GVGD: "Class C0"). ClinVar contains an entry for this variant (Variation ID: 1370597). This variant has not been reported in the literature in individuals affected with PKP2-related conditions. This variant is present in population databases (rs752119095, gnomAD 0.007%). This sequence change replaces glutamine, which is neutral and polar, with lysine, which is basic and polar, at codon 487 of the PKP2 protein (p.Gln487Lys).